The following is an entry in ClinVar:

ClinVar aggregate classification (germline): Pathogenic/Likely pathogenic. Review status: criteria provided, multiple submitters, no conflicts (2 of 4 stars). 3 submissions from 3 submitters: Pathogenic (1); Likely pathogenic (1). 1 of the submissions does not count toward it. Last evaluated 2025-06-25.

Conditions:
Medium-chain acyl-coenzyme A dehydrogenase deficiency (ACADMD). Also called: MCADH DEFICIENCY; MCAD Deficiency; MCADD; CARNITINE DEFICIENCY SECONDARY TO MEDIUM-CHAIN ACYL-CoA DEHYDROGENASE DEFICIENCY; ACADM DEFICIENCY; Medium chain acyl-CoA dehydrogenase deficiency. Identifiers: Orphanet 42, MedGen C0220710, MONDO:0008721, OMIM 201450.

Allele frequency attached by ClinVar (database versions not stated): gnomAD exomes below 0.00001; TOPMed below 0.00001.
gnomAD v4.1: 3 of 1,613,816 alleles (0.00019%); highest among the groups gnomAD compares: Non-Finnish European, 0.00025%; no homozygotes.

Submissions (3):

Natera, Inc.
Classification: Likely pathogenic for Medium Chain Acyl-CoA Dehydrogenase Deficiency. Last evaluated: 2025-06-25. Review status: criteria provided, single submitter. Criteria: Natera Variant Classification Schema (03/2026). Collection method: clinical testing. Allele origin: germline.
Comment: The c.842G>C variant in ACADM is a missense variant predicted to cause substitution of arginine to threonine at amino acid 281. This variant is rare in the general population with a frequency below the threshold expected for the associated phenotype(s). This variant has been observed in one or more individuals affected with the associated recessive disease, as either homozygous or compound heterozygous with a second variant (PMID: 11486912). A different variant at the same position has been determined to be Pathogenic or Likely Pathogenic. Computational prediction algorithms indicate this variant is likely to affect gene or protein function. Given the available evidence, this variant is classified as Likely Pathogenic.

Labcorp Genetics (formerly Invitae), Labcorp
Classification: Pathogenic for Medium-chain acyl-coenzyme A dehydrogenase deficiency. Last evaluated: 2023-04-08. Review status: criteria provided, single submitter. Criteria: Invitae Variant Classification Sherloc (09022015). Collection method: clinical testing. Allele origin: germline.
Comment: For these reasons, this variant has been classified as Pathogenic. This variant disrupts the p.Arg281 amino acid residue in ACADM. Other variant(s) that disrupt this residue have been determined to be pathogenic (PMID: 15915086, 26947917, 27856190). This suggests that this residue is clinically significant, and that variants that disrupt this residue are likely to be disease-causing. Experimental studies have shown that this missense change affects ACADM function (PMID: 16128823). Advanced modeling of protein sequence and biophysical properties (such as structural, functional, and spatial information, amino acid conservation, physicochemical variation, residue mobility, and thermodynamic stability) performed at Invitae indicates that this missense variant is expected to disrupt ACADM protein function. ClinVar contains an entry for this variant (Variation ID: 3596). This variant is also known as R256T. This missense change has been observed in individual(s) with medium-chain acyl-coenzyme A dehydrogenase deficiency (PMID: 11486912). It has also been observed to segregate with disease in related individuals. This variant is present in population databases (rs121434282, gnomAD 0.0009%). This sequence change replaces arginine, which is basic and polar, with threonine, which is neutral and polar, at codon 281 of the ACADM protein (p.Arg281Thr).

OMIM
Classification: Pathogenic for MCAD DEFICIENCY. Last evaluated: 2001-06-01. Review status: no assertion criteria provided. Collection method: literature only. Allele origin: germline. Not counted in ClinVar's aggregate classification.

Literature cited by the submitters: PubMed 11486912 (cited by 3 submitters); PubMed 15915086 (cited by Labcorp Genetics (formerly Invitae), Labcorp); PubMed 26947917 (cited by Labcorp Genetics (formerly Invitae), Labcorp); PubMed 27856190 (cited by Labcorp Genetics (formerly Invitae), Labcorp); PubMed 16128823 (cited by Labcorp Genetics (formerly Invitae), Labcorp).

NM_000016.6(ACADM):c.842G>C (p.Arg281Thr)

Gene: ACADM (acyl-CoA dehydrogenase medium chain; plus strand). Cytogenetic location: 1p31.1.
Variant type: single nucleotide variant.
Coding change: c.842G>C on transcript NM_000016.6 (MANE Select); coding-DNA position 842, G replaced by C.
Protein change: p.Arg281Thr; replaces arginine 281 with threonine.
Molecular consequence: missense variant.
Genome position (GRCh38, 1-based): chr1:75,749,552, G>C. VCF-style: chr1-75749552-G-C. GRCh37 (hg19) VCF-style: chr1-76215237-G-C.
Other names: R256T; c.854G>C, p.Arg285Thr (NM_001127328.3); c.734G>C, p.Arg245Thr (NM_001286042.2); c.941G>C, p.Arg314Thr (NM_001286043.2); c.275G>C, p.Arg92Thr (NM_001286044.2); c.842G>C (NM_000016.5); short protein forms R281T, R285T, R92T, R245T, R314T.
Identifiers: ClinVar variation 3596 (VCV000003596.6), dbSNP rs121434282, ClinGen allele CA252834.